The following is an entry in ClinVar:

NM_001394372.1(BICRA):c.78C>T (p.Ser26=)

Gene: BICRA (BRD4 interacting chromatin remodeling complex associated protein; plus strand). Cytogenetic location: 19q13.33.
Variant type: single nucleotide variant.
Coding change: c.78C>T on transcript NM_001394372.1 (MANE Select); coding-DNA position 78, C replaced by T.
Protein change: p.Ser26=; no amino-acid change (serine 26 retained).
Molecular consequence: synonymous variant.
Genome position (GRCh38, 1-based): chr19:47,673,756, C>T. VCF-style: chr19-47673756-C-T. GRCh37 (hg19) VCF-style: chr19-48177013-C-T.
Other names: c.78C>T, p.Ser26= (NM_015711.3).
Identifiers: ClinVar variation 2650158 (VCV002650158.24), dbSNP rs200233936, ClinGen allele CA9541522.

ClinVar aggregate classification (germline): Likely benign (1 of 4 stars; one submission).

Allele frequency attached by ClinVar (database versions not stated): ExAC 0.00004; gnomAD 0.00004; gnomAD exomes 0.00004.
gnomAD v4.1: 66 of 1,612,870 alleles (0.0041%); highest among the groups gnomAD compares: South Asian, 0.016%; no homozygotes.

Submission:

CeGaT Center for Human Genetics Tuebingen
Classification: Likely benign. Last evaluated: 2022-05-01. Review status: criteria provided, single submitter. Criteria: CeGaT Center For Human Genetics Tuebingen Variant Classification Criteria Version 2. Collection method: clinical testing. Allele origin: germline. Affected: yes. Observed: 1 variant allele.
Comment: BICRA: BP4, BP7